The following is an entry in ClinVar:

ClinVar aggregate classification (germline): Uncertain significance (1 of 4 stars; one submission).

Conditions:
Primary ciliary dyskinesia. Also called: Ciliary dyskinesia. Identifiers: Orphanet 244, MedGen C0008780, MONDO:0016575, HP:0012265.

Submission:

Ambry Genetics
Classification: Uncertain significance for Primary ciliary dyskinesia. Last evaluated: 2021-07-04. Review status: criteria provided, single submitter. Criteria: Ambry Variant Classification Scheme 2023. Collection method: clinical testing. Allele origin: germline.
Comment: The p.M4198R variant (also known as c.12593T>G), located in coding exon 77 of the DNAH11 gene, results from a T to G substitution at nucleotide position 12593. The methionine at codon 4198 is replaced by arginine, an amino acid with similar properties. This amino acid position is conserved. In addition, this alteration is predicted to be tolerated by in silico analysis. Since supporting evidence is limited at this time, the clinical significance of this alteration remains unclear.

NM_001277115.2(DNAH11):c.12593T>G (p.Met4198Arg)

Gene: DNAH11 (dynein axonemal heavy chain 11; plus strand). Cytogenetic location: 7p15.3.
Variant type: single nucleotide variant.
Coding change: c.12593T>G on transcript NM_001277115.2 (MANE Select); coding-DNA position 12593, T replaced by G.
Protein change: p.Met4198Arg; replaces methionine 4198 with arginine.
Molecular consequence: missense variant.
Genome position (GRCh38, 1-based): chr7:21,892,510, T>G. VCF-style: chr7-21892510-T-G. GRCh37 (hg19) VCF-style: chr7-21932128-T-G.
Other names: c.12614T>G, p.Met4205Arg (NM_003777.3); short protein forms M4205R, M4198R.
Identifiers: ClinVar variation 1762453 (VCV001762453.2), dbSNP rs772179807, ClinGen allele CA366953150.